The following is an entry in ClinVar:

ClinVar aggregate classification (germline): Uncertain significance. Review status: criteria provided, multiple submitters, no conflicts (2 of 4 stars). 2 submissions from 2 submitters: Uncertain significance (2). Last evaluated 2025-10-18.

Conditions:
Dihydropteridine reductase deficiency (HPABH4C). Also called: DHPR DEFICIENCY; BH4-Deficient Hyperphenylalaninemia C; Hyperphenylalaninemia due to dihydropteridine reductase deficiency; Hyperphenylalaninemia, BH-4-deficient, C; Phenylketonuria type 2; HYPERPHENYLALANINEMIA, TETRAHYDROBIOPTERIN-DEFICIENT, DUE TO DHPR DEFICIENCY. Identifiers: Orphanet 226, Orphanet 238583, MedGen C0268465, MONDO:0009862, OMIM 261630.
Inborn genetic diseases. Identifiers: MedGen C0950123, MeSH D030342.

gnomAD v4.1: 3 of 1,614,026 alleles (0.00019%); no homozygotes.

Submissions (2):

Ambry Genetics
Classification: Uncertain significance for Inborn genetic diseases. Last evaluated: 2025-10-18. Review status: criteria provided, single submitter. Criteria: Ambry Variant Classification Scheme 2023. Collection method: clinical testing. Allele origin: germline.

Labcorp Genetics (formerly Invitae), Labcorp
Classification: Uncertain significance for Dihydropteridine reductase deficiency. Last evaluated: 2022-08-16. Review status: criteria provided, single submitter. Criteria: Invitae Variant Classification Sherloc (09022015). Collection method: clinical testing. Allele origin: germline.
Comment: This sequence change replaces serine, which is neutral and polar, with leucine, which is neutral and non-polar, at codon 193 of the QDPR protein (p.Ser193Leu). This variant is not present in population databases (gnomAD no frequency). This variant has not been reported in the literature in individuals affected with QDPR-related conditions. ClinVar contains an entry for this variant (Variation ID: 1374068). Algorithms developed to predict the effect of missense changes on protein structure and function (SIFT, PolyPhen-2, Align-GVGD) all suggest that this variant is likely to be tolerated. In summary, the available evidence is currently insufficient to determine the role of this variant in disease. Therefore, it has been classified as a Variant of Uncertain Significance.

NM_000320.3(QDPR):c.578C>T (p.Ser193Leu)

Gene: QDPR (quinoid dihydropteridine reductase; minus strand). Cytogenetic location: 4p15.32.
Variant type: single nucleotide variant.
Coding change: c.578C>T on transcript NM_000320.3 (MANE Select); coding-DNA position 578, C replaced by T.
Protein change: p.Ser193Leu; replaces serine 193 with leucine.
Molecular consequence: missense variant. On other transcripts: non-coding transcript variant (1).
Genome position (GRCh38, 1-based): chr4:17,490,713, G>A on the plus strand (C>T on the coding strand, the complement: QDPR is on the minus strand). VCF-style: chr4-17490713-G-A. GRCh37 (hg19) VCF-style: chr4-17492336-G-A.
Other names: c.485C>T, p.Ser162Leu (NM_001306140.2); c.578C>T (NM_000320.2); short protein forms S162L, S193L.
Identifiers: ClinVar variation 1374068 (VCV001374068.6), dbSNP rs2108986715, ClinGen allele CA356444221.